The following is an entry in ClinVar:

NM_001370466.1(NOD2):c.179G>A (p.Arg60His)

Gene: NOD2 (nucleotide binding oligomerization domain containing 2; plus strand). Cytogenetic location: 16q12.1.
Variant type: single nucleotide variant.
Coding change: c.179G>A on transcript NM_001370466.1 (MANE Select); coding-DNA position 179, G replaced by A.
Protein change: p.Arg60His; replaces arginine 60 with histidine.
Molecular consequence: missense variant. On other transcripts: non-coding transcript variant (1).
Genome position (GRCh38, 1-based): chr16:50,699,674, G>A. VCF-style: chr16-50699674-G-A. GRCh37 (hg19) VCF-style: chr16-50733585-G-A.
Other names: c.179G>A, p.Arg60His (NM_001293557.2); c.260G>A, p.Arg87His (NM_022162.3); short protein forms R60H, R87H.
Identifiers: ClinVar variation 1421308 (VCV001421308.8), dbSNP rs983465914, ClinGen allele CA281250160.

ClinVar aggregate classification (germline): Uncertain significance (1 of 4 stars; one submission).

Conditions:
Blau syndrome (BLAUS). Also called: ARTHROCUTANEOUVEAL GRANULOMATOSIS; GRANULOMATOSIS, FAMILIAL JUVENILE SYSTEMIC; GRANULOMATOSIS, FAMILIAL, BLAU TYPE; GRANULOMATOUS INFLAMMATORY ARTHRITIS, DERMATITIS, AND UVEITIS, FAMILIAL; JABS SYNDROME. Identifiers: Orphanet 90340, MedGen C5201146, MONDO:0008523, OMIM 186580.
Regional enteritis. Also called: Enteritis, Granulomatous. Identifiers: MedGen C0678202, MeSH D003424.

Allele frequency attached by ClinVar (database versions not stated): gnomAD exomes below 0.00001 and 0.00001; gnomAD 0.00001; TOPMed 0.00003.
gnomAD v4.1: 9 of 1,614,034 alleles (0.00056%); highest among the groups gnomAD compares: African/African-American, 0.0053%; no homozygotes.

Submission:

Labcorp Genetics (formerly Invitae), Labcorp
Classification: Uncertain significance for Regional enteritis; Blau syndrome. Last evaluated: 2025-03-31. Review status: criteria provided, single submitter. Criteria: Invitae Variant Classification Sherloc (09022015). Collection method: clinical testing. Allele origin: germline.
Comment: This sequence change replaces arginine, which is basic and polar, with histidine, which is basic and polar, at codon 87 of the NOD2 protein (p.Arg87His). This variant is present in population databases (no rsID available, gnomAD 0.007%). This variant has not been reported in the literature in individuals affected with NOD2-related conditions. ClinVar contains an entry for this variant (Variation ID: 1421308). Invitae Evidence Modeling of protein sequence and biophysical properties (such as structural, functional, and spatial information, amino acid conservation, physicochemical variation, residue mobility, and thermodynamic stability) indicates that this missense variant is not expected to disrupt NOD2 protein function with a negative predictive value of 95%. In summary, the available evidence is currently insufficient to determine the role of this variant in disease. Therefore, it has been classified as a Variant of Uncertain Significance.